The following is an entry in ClinVar:

ClinVar aggregate classification (germline): Conflicting classifications of pathogenicity. Review status: criteria provided, conflicting classifications (1 of 4 stars). 6 submissions from 6 submitters: Uncertain significance (1); Benign (2); Likely benign (1). 2 of the submissions do not count toward it. Last evaluated 2026-01-28.

Conditions:
Usher syndrome type 1F (USH1F). Also called: USHER SYNDROME, TYPE IF. Identifiers: Orphanet 231169, Orphanet 886, MedGen C1865885, MONDO:0011186, OMIM 602083.
PCDH15-related disorder. Also called: PCDH15-related disorders; PCDH15-related condition.
Usher syndrome type 1 (USH1). Also called: RETINITIS PIGMENTOSA AND CONGENITAL DEAFNESS. Identifiers: Orphanet 231169, Orphanet 886, MedGen C1568247, MONDO:0010168, OMIM 276900.

Allele frequency attached by ClinVar (database versions not stated): gnomAD 0.00001 and 0.00003; TOPMed 0.00001; gnomAD exomes 0.00009; ExAC 0.00010.
gnomAD v4.1: 241 of 1,613,812 alleles (0.015%); highest among the groups gnomAD compares: East Asian, 0.53%; 2 homozygotes.

Submissions (6):

Labcorp Genetics (formerly Invitae), Labcorp
Classification: Benign. Last evaluated: 2026-01-28. Review status: criteria provided, single submitter. Criteria: Invitae Variant Classification Sherloc (09022015). Collection method: clinical testing. Allele origin: germline.

Blueprint Genetics
Classification: Benign. Last evaluated: 2024-05-31. Review status: criteria provided, single submitter. Criteria: ACMG Guidelines, 2015. Collection method: clinical testing. Allele origin: germline.

GeneDx
Classification: Likely benign. Last evaluated: 2018-09-26. Review status: criteria provided, single submitter. Criteria: GeneDx Variant Classification Process June 2021. Collection method: clinical testing. Allele origin: germline. Affected: yes.

Illumina Laboratory Services, Illumina
Classification: Uncertain significance for Usher syndrome type 1. Last evaluated: 2018-01-13. Review status: criteria provided, single submitter. Criteria: ICSL Variant Classification Criteria 13 December 2019. Collection method: clinical testing. Allele origin: germline.

PreventionGenetics, part of Exact Sciences
Classification: Likely benign for PCDH15-related condition. Last evaluated: 2024-09-04. Review status: no assertion criteria provided. Collection method: clinical testing. Allele origin: germline. Not counted in ClinVar's aggregate classification.
Comment: This variant is classified as likely benign based on ACMG/AMP sequence variant interpretation guidelines (Richards et al. 2015 PMID: 25741868, with internal and published modifications).

Natera, Inc.
Classification: Likely benign for Usher syndrome type 1F. Last evaluated: 2020-04-21. Review status: no assertion criteria provided. Collection method: clinical testing. Allele origin: germline. Not counted in ClinVar's aggregate classification.

NM_001384140.1(PCDH15):c.2445C>T (p.Asn815=)

Gene: PCDH15 (protocadherin related 15; minus strand). Cytogenetic location: 10q21.1.
Variant type: single nucleotide variant.
Coding change: c.2445C>T on transcript NM_001384140.1 (MANE Select); coding-DNA position 2445, C replaced by T.
Protein change: p.Asn815=; no amino-acid change (asparagine 815 retained).
Molecular consequence: synonymous variant.
Genome position (GRCh38, 1-based): chr10:54,022,973, G>A on the plus strand (C>T on the coding strand, the complement: PCDH15 is on the minus strand). VCF-style: chr10-54022973-G-A. GRCh37 (hg19) VCF-style: chr10-55782733-G-A.
Other names: c.2460C>T, p.Asn820= (NM_001142763.2, NM_001142771.2); c.2445C>T, p.Asn815= (NM_001142764.2, NM_001142766.2, NM_001142770.3 and 5 more transcripts); c.2232C>T, p.Asn744= (NM_001142765.2); c.2334C>T, p.Asn778= (NM_001142767.2); c.2379C>T, p.Asn793= (NM_001142768.2, NM_001142773.2, NM_001354404.2); c.2481C>T, p.Asn827= (NM_001142769.4); c.2466C>T, p.Asn822= (NM_001354411.2).
Identifiers: ClinVar variation 750711 (VCV000750711.20), dbSNP rs768200772, ClinGen allele CA5506026.
Genomic context (GRCh38, chr10:54,022,973, plus strand): 5'-CCCAGCTGGCAAATTCTCTTCAACAAGGACAGTGTATGTTGAATTGGTGAACACAGGACT[G>A]TTATCATCAATGTCCAAAACCTTGATGGCCAAGGTTAGAGTTGAATGACGAGGGTGTACT-3'
Protein context (NP_001371069.1, residues 805-825): LAIKVLDIDD[Asn815=]SPVFTNSTYT